The following is an entry in ClinVar:

NM_000203.5(IDUA):c.870C>A (p.Phe290Leu)

Gene: IDUA (alpha-L-iduronidase; plus strand). Cytogenetic location: 4p16.3.
Variant type: single nucleotide variant.
Coding change: c.870C>A on transcript NM_000203.5 (MANE Select); coding-DNA position 870, C replaced by A.
Protein change: p.Phe290Leu; replaces phenylalanine 290 with leucine.
Molecular consequence: missense variant. On other transcripts: non-coding transcript variant (1).
Genome position (GRCh38, 1-based): chr4:1,002,059, C>A. VCF-style: chr4-1002059-C-A. GRCh37 (hg19) VCF-style: chr4-995847-C-A.
Other names: c.474C>A, p.Phe158Leu (NM_001363576.1); short protein forms F158L, F290L.
Identifiers: ClinVar variation 1489381 (VCV001489381.5), dbSNP rs1715117568, ClinGen allele CA355962451.

ClinVar aggregate classification (germline): Uncertain significance (1 of 4 stars; one submission).

Conditions:
Mucopolysaccharidosis type 1. Also called: IDUA deficiency; MPS I. Identifiers: Orphanet 579, MedGen C0023786, MONDO:0001586.

Allele frequency attached by ClinVar (database versions not stated): TOPMed 0.00001.
gnomAD v4.1: 2 of 1,595,656 alleles (0.00013%); highest among the groups gnomAD compares: Non-Finnish European, 0.00017%; no homozygotes.

Submission:

Labcorp Genetics (formerly Invitae), Labcorp
Classification: Uncertain significance for Mucopolysaccharidosis type 1. Last evaluated: 2022-04-18. Review status: criteria provided, single submitter. Criteria: Invitae Variant Classification Sherloc (09022015). Collection method: clinical testing. Allele origin: germline.
Comment: This sequence change replaces phenylalanine, which is neutral and non-polar, with leucine, which is neutral and non-polar, at codon 290 of the IDUA protein (p.Phe290Leu). This variant is not present in population databases (gnomAD no frequency). This variant has not been reported in the literature in individuals affected with IDUA-related conditions. Algorithms developed to predict the effect of missense changes on protein structure and function are either unavailable or do not agree on the potential impact of this missense change (SIFT: "Tolerated"; PolyPhen-2: "Probably Damaging"; Align-GVGD: "Class C0"). In summary, the available evidence is currently insufficient to determine the role of this variant in disease. Therefore, it has been classified as a Variant of Uncertain Significance.